The following is an entry in ClinVar:

ClinVar aggregate classification (germline): Pathogenic (1 of 4 stars; one submission).

Submission:

Labcorp Genetics (formerly Invitae), Labcorp
Classification: Pathogenic. Last evaluated: 2023-06-04. Review status: criteria provided, single submitter. Criteria: Invitae Variant Classification Sherloc (09022015). Collection method: clinical testing. Allele origin: germline.
Comment: This variant results in the deletion of part of exon 17 (c.2240+55_2280del) of the SLC4A11 gene. It is expected to disrupt RNA splicing. Variants that disrupt the donor or acceptor splice site typically lead to a loss of protein function (PMID: 16199547), and loss-of-function variants in SLC4A11 are known to be pathogenic (PMID: 17220209, 17679935). This variant is not present in population databases (gnomAD no frequency). For these reasons, this variant has been classified as Pathogenic. This variant disrupts a region of the SLC4A11 protein in which other variant(s) (p.Arg755Trp) have been determined to be pathogenic (PMID: 17397048, 17679935, 18474783, 22072594, 24916015). This suggests that this is a clinically significant region of the protein, and that variants that disrupt it are likely to be disease-causing. Algorithms developed to predict the effect of sequence changes on RNA splicing suggest that this variant may disrupt the consensus splice site. This variant has not been reported in the literature in individuals affected with SLC4A11-related conditions.

Literature cited by the submitters: PubMed 16199547; PubMed 17220209; PubMed 17679935; PubMed 17397048; PubMed 18474783; PubMed 22072594; PubMed 24916015.

NM_001174089.2(SLC4A11):c.2192+55_2232del

Gene: SLC4A11 (solute carrier family 4 member 11; minus strand). Cytogenetic location: 20p13.
Variant type: Deletion.
Coding change: c.2192+55_2232del on transcript NM_001174089.2 (MANE Select); 55 bases into the intron after coding-DNA position 2192 through coding-DNA position 2232, 116 bases deleted.
Molecular consequence: splice acceptor variant.
Genome position (GRCh38, 1-based): chr20:3,228,668-3,228,783, 116 bases deleted. GRCh37 (hg19): chr20:3,209,317-3,209,432.
Other names: c.2135+55_2175del (NM_001400277.1, NM_001400278.1, NM_001400279.1); c.2078+55_2118del (NM_001363745.2); c.2207+55_2247del (NM_001400280.1); c.2321+55_2361del (NM_001174090.2); c.2240+55_2280del (NM_032034.4).
Identifiers: ClinVar variation 2769180 (VCV002769180.3), dbSNP rs2514518904, ClinGen allele CA2697547273.